The following is an entry in ClinVar:

ClinVar aggregate classification (germline): Uncertain significance. Review status: criteria provided, multiple submitters, no conflicts (2 of 4 stars). 4 submissions from 4 submitters: Uncertain significance (4). Last evaluated 2024-07-15.

Conditions:
Aortic aneurysm, familial thoracic 7 (AAT7). Also called: AORTIC DISSECTION, FAMILIAL, WITH OR WITHOUT AORTIC ANEURYSM. Identifiers: MedGen C3151077, MONDO:0013418, OMIM 613780.
Familial thoracic aortic aneurysm and aortic dissection (TAAD). Also called: Thoracic aortic aneurysms and dissections. Identifiers: Orphanet 91387, MedGen C4707243, MONDO:0019625.

Submissions (4):

Women's Health and Genetics/Laboratory Corporation of America, LabCorp
Classification: Uncertain significance. Last evaluated: 2024-07-15. Review status: criteria provided, single submitter. Criteria: LabCorp Variant Classification Summary - May 2015. Collection method: clinical testing. Allele origin: germline.
Comment: Variant summary: MYLK c.3096_3131dup36 (p.Ala1044_Pro1055dup) results in an in-frame duplication that is predicted to duplicate 12 amino acids into the encoded protein. The variant was absent in 251462 control chromosomes. The available data on variant occurrences in the general population are insufficient to allow any conclusion about variant significance. To our knowledge, no occurrence of c.3096_3131dup36 in individuals affected with Aortopathy and no experimental evidence demonstrating its impact on protein function have been reported. ClinVar contains an entry for this variant (Variation ID: 658577). Based on the evidence outlined above, the variant was classified as uncertain significance.

GeneDx
Classification: Uncertain significance. Last evaluated: 2024-05-16. Review status: criteria provided, single submitter. Criteria: GeneDx Variant Classification Process June 2021. Collection method: clinical testing. Allele origin: germline. Affected: yes.
Comment: In-frame duplication of 12 amino acids in a non-repeat region; Has not been previously published as pathogenic or benign to our knowledge

Labcorp Genetics (formerly Invitae), Labcorp
Classification: Uncertain significance for Aortic aneurysm, familial thoracic 7. Last evaluated: 2022-07-05. Review status: criteria provided, single submitter. Criteria: Invitae Variant Classification Sherloc (09022015). Collection method: clinical testing. Allele origin: germline.
Comment: In summary, the available evidence is currently insufficient to determine the role of this variant in disease. Therefore, it has been classified as a Variant of Uncertain Significance. Experimental studies and prediction algorithms are not available or were not evaluated, and the functional significance of this variant is currently unknown. ClinVar contains an entry for this variant (Variation ID: 658577). This variant has not been reported in the literature in individuals affected with MYLK-related conditions. This variant is not present in population databases (gnomAD no frequency). This variant, c.3096_3131dup36, results in the insertion of 12 amino acid(s) of the MYLK protein (p.Ala1044_Pro1055dup), but otherwise preserves the integrity of the reading frame.

Ambry Genetics
Classification: Uncertain significance for Familial thoracic aortic aneurysm and aortic dissection. Last evaluated: 2021-12-15. Review status: criteria provided, single submitter. Criteria: Ambry Variant Classification Scheme 2023. Collection method: clinical testing. Allele origin: germline.
Comment: The c.3096_3131dup36 variant (also known as p.P1055_D1056ins12), located in coding exon 15 of the MYLK gene, results from an in-frame duplication of 36 nucleotides at nucleotide positions 3096 to 3131. This results in the duplication of 12 extra residues (ETLKPMGNAKPA) between codons 1055 and 1056. This amino acid region is not well conserved in available vertebrate species. Since supporting evidence is limited at this time, the clinical significance of this alteration remains unclear.

NM_053025.4(MYLK):c.3096_3131dup (p.1032_1043AETLKPMGNAKP[3])

Gene: MYLK (myosin light chain kinase; minus strand). Cytogenetic location: 3q21.1.
Variant type: Duplication.
Coding change: c.3096_3131dup on transcript NM_053025.4 (MANE Select); coding-DNA positions 3096 to 3131, 36 bases duplicated.
Protein change: p.1032_1043AETLKPMGNAKP[3].
Molecular consequence: inframe insertion.
Genome position (GRCh38, 1-based): chr3:123,700,337-123,700,372, 36 bases duplicated; duplicating any 36 consecutive bases within chr3:123,700,337-123,700,391 gives the same sequence; the c. name uses the placement nearest the transcript's 3' end. GRCh37 (hg19): chr3:123,419,203-123,419,238.
Other names: c.3096_3131dup36 (NM_053025.4); c.3096_3131dup (NM_053025.3); c.2568_2603dup, p.856_867AETLKPMGNAKP[3] (NM_001321309.2); c.2889_2924dup, p.963_974AETLKPMGNAKP[3] (NM_053026.4, NM_053028.4); c.3096_3131dup, p.1032_1043AETLKPMGNAKP[3] (NM_053027.4).
Identifiers: ClinVar variation 658577 (VCV000658577.12), dbSNP rs758966808, ClinGen allele CA915941538.